The following is an entry in ClinVar:

ClinVar aggregate classification (germline): Pathogenic (1 of 4 stars; one submission).

Conditions:
Juvenile polyposis syndrome (JPS). Identifiers: Orphanet 2929, MedGen C0345893, MONDO:0017380, OMIM 174900.

Submission:

Labcorp Genetics (formerly Invitae), Labcorp
Classification: Pathogenic for Juvenile polyposis syndrome. Last evaluated: 2023-03-22. Review status: criteria provided, single submitter. Criteria: Invitae Variant Classification Sherloc (09022015). Collection method: clinical testing. Allele origin: unknown.
Comment: A similar copy number variant has been observed in individual(s) with juvenile polyposis syndrome (PMID: 18823382). This variant is a gross deletion of the genomic region encompassing exon(s) 1-10 of the SMAD4 gene, which includes the initiator codon. This deletion extends beyond the assayed region for this gene and therefore may encompass additional genes. It is expected to result in an absent or disrupted protein product. Loss-of-function variants in SMAD4 are known to be pathogenic (PMID: 16152648, 16436638, 22810475). This variant is also known as promoter to coding exon 8. For these reasons, this variant has been classified as Pathogenic.

Literature cited by the submitters: PubMed 18823382; PubMed 16152648; PubMed 16436638; PubMed 22810475.

NC_000018.9:g.(?_48556583)_(48593567_?)del

Gene: SMAD4 (SMAD family member 4; plus strand). Cytogenetic location: 18q21.2.
Variant type: Deletion.
Identifiers: ClinVar variation 3242733 (VCV003242733.1).